The following is an entry in ClinVar:

ClinVar aggregate classification (germline): Pathogenic. Review status: reviewed by expert panel (3 of 4 stars). 12 submissions from 12 submitters: Pathogenic (1). 11 of the submissions do not count toward it. Last evaluated 2024-06-11.

Conditions:
Hereditary cancer-predisposing syndrome. Also called: Hereditary Cancer Syndrome; Hereditary neoplastic syndrome; Neoplastic Syndromes, Hereditary; Tumor predisposition. Identifiers: Orphanet 140162, MedGen C0027672, MeSH D009386, MONDO:0015356.
Hereditary breast ovarian cancer syndrome. Also called: BRCA1- and BRCA2-Associated Hereditary Breast and Ovarian Cancer; Hereditary breast and ovarian cancer syndrome; Hereditary breast and ovarian cancer syndrome (HBOC); Breast and ovarian cancer; Hereditary breast and/or ovarian cancer syndrome; Hereditary breast and ovarian cancer. Identifiers: Orphanet 145, MedGen C0677776, MeSH D061325, MONDO:0003582. Disease mechanism: loss of function.
Breast-ovarian cancer, familial, susceptibility to, 1 (BROVCA1). Also called: BRCA1 Hereditary Breast and Ovarian Cancer; OVARIAN CANCER, SUSCEPTIBILITY TO. Identifiers: Orphanet 145, MedGen C2676676, MONDO:0011450, OMIM 604370. Disease mechanism: loss of function.
Familial cancer of breast. Also called: hereditary breast carcinoma; BREAST CANCER, FAMILIAL; Hereditary breast cancer. Identifiers: Orphanet 227535, MedGen C0346153, MONDO:0016419, OMIM 114480. Disease mechanism: loss of function.
Fanconi anemia, complementation group S (FANCS). Identifiers: MedGen C4554406, MONDO:0054748, OMIM 617883.
BRCA1-related cancer predisposition. Identifiers: MedGen CN377757, MONDO:0700268.
Pancreatic cancer, susceptibility to, 4. Identifiers: Orphanet 1333, MedGen C3280442, MONDO:0013685, OMIM 614320.

Allele frequency attached by ClinVar (database versions not stated): gnomAD exomes below 0.00001.
gnomAD v4.1: 2 of 1,612,068 alleles (0.00012%); highest among the groups gnomAD compares: Non-Finnish European, 0.00017%; no homozygotes.

Submissions 1 to 8 of 12:

ClinGen ENIGMA BRCA1 and BRCA2 Variant Curation Expert Panel, ClinGen
Classification: Pathogenic for BRCA1-related cancer predisposition. Last evaluated: 2024-06-11. Review status: reviewed by expert panel. Criteria: CSpec BRCA1/2ACMG Rules Specifications V1.0. Collection method: curation. Allele origin: germline. Inheritance: Autosomal dominant inheritance.
Comment: The c.5194-12G>A variant is an intronic variant occurring in intron 19 of the BRCA1 gene. This variant is absent from gnomAD v2.1 (exomes only, non-cancer subset, read depth >=25) and gnomAD v3.1 (non-cancer subset, read depth >=25) (PM2_Supporting met). This BRCA1 intronic variant is located outside of the native donor and acceptor 1,2 splice sites, and the SpliceAI predictor score is 0.96, predicting an impact on splicing (score threshold >0.20) (PP3 met). This variant was reported to result in aberrant mRNA splicing by partial retention of intron 19 (PMIDs: 21673748, 21394826). Another study reported the same aberration as well as exon 20 skipping, however it also reported a higher proportion of full length transcript (PMID: 31843900) (PVS1 (RNA) not applied due to conflicting evidence). Multifactorial likelihood ratio analysis using clinically calibrated data produced a combined LR for this variant of 1126348153 (based on Cosegregation LR=6.5; Pathology LR=12.7; Co-occurrence LR=1.3; Family History LR=10799731), above the threshold for Very strong evidence towards pathogenicity (LR >350) (PP4_Very strong met; PMID: 31131967, 31853058). In summary, this variant meets the criteria to be classified as a Pathogenic variant for BRCA1-related cancer predisposition based on the ACMG/AMP criteria applied as specified by the ENIGMA BRCA1/2 VCEP (PM2_Supporting, PP3, PP4_Very strong).

Praxis Für Humangenetik, Biosciencia MVZ Labor Saar
Classification: Pathogenic for Hereditary cancer-predisposing syndrome. Last evaluated: 2026-07-22. Review status: criteria provided, single submitter. Criteria: ACMG Guidelines, 2015. Collection method: clinical testing. Allele origin: germline. Affected: yes. Not counted in ClinVar's aggregate classification.
Comment: PS4, PM2, PP1, PP3, PP4

Labcorp Genetics (formerly Invitae), Labcorp
Classification: Pathogenic for Hereditary breast ovarian cancer syndrome. Last evaluated: 2025-07-18. Review status: criteria provided, single submitter. Criteria: Invitae Variant Classification Sherloc (09022015). Collection method: clinical testing. Allele origin: germline. Not counted in ClinVar's aggregate classification.
Comment: This sequence change falls in intron 18 of the BRCA1 gene. It does not directly change the encoded amino acid sequence of the BRCA1 protein. RNA analysis indicates that this variant induces altered splicing and may result in an absent or altered protein product. This variant is not present in population databases (gnomAD no frequency). This variant has been observed in individual(s) with breast and/or ovarian cancer (PMID: 10923033, 17924331, 23278966, 25682074). ClinVar contains an entry for this variant (Variation ID: 55451). Based on a multifactorial likelihood algorithm using genetic, in silico, and/or statistical data, this variant has been determined to have a high probability of being pathogenic (PMID: 17924331). Studies have shown that this variant alters mRNA splicing and is expected to lead to the loss of protein expression (PMID: 21394826, 21673748; internal data). For these reasons, this variant has been classified as Pathogenic.

Ambry Genetics
Classification: Pathogenic for Hereditary cancer-predisposing syndrome. Last evaluated: 2024-07-01. Review status: criteria provided, single submitter. Criteria: Ambry Variant Classification Scheme 2023. Collection method: clinical testing. Allele origin: germline. Not counted in ClinVar's aggregate classification.
Comment: The c.5194-12G>A intronic variant results from a G to A substitution 12 nucleotides upstream from coding exon 18 in the BRCA1 gene. This alteration has been classified as as a pathogenic mutation by multifactorial analysis, which integrates the following lines of evidence to produce a quantitative likelihood of pathogenicity: in silico prediction models, segregation with disease, tumor characteristics, mutation co-occurrence, and functional assay results (Easton DF et al. Am. J. Hum .Genet. 2007 Nov; 81(5):873-83; Whiley PJ et al. Hum. Mutat. 2011 Jun; 32(6):678-87). Multiple, independent RNA based assays indicate that this variant creates a cryptic splice acceptor site that leads to the insertion of 10 nucleotides and, consequently, a predicted protein frameshift (Ambry internal data; Whiley PJ et al. Hum. Mutat. 2011 Jun; 32(6):678-87; Th&eacute;ry JC et al. Eur. J. Hum. Genet. 2011 Oct; 19(10):1052-8; Wong-Brown MW et al. Clin. Genet. 2013 Nov; 84(5):505-6). This nucleotide position is highly conserved in available vertebrate species. Of note, this alteration is also designated as IVS19-12G>A in published literature. Based on the supporting evidence, this alteration is interpreted as a disease-causing mutation.

Color Diagnostics, LLC DBA Color Health
Classification: Pathogenic for Hereditary cancer-predisposing syndrome. Last evaluated: 2021-04-26. Review status: criteria provided, single submitter. Criteria: ACMG Guidelines, 2015. Collection method: clinical testing. Allele origin: germline. Not counted in ClinVar's aggregate classification.
Comment: This variant causes a G to A nucleotide substitution at the -12 position of intron 18 of the BRCA1 gene. RNA studies have shown that this variant causes out-of-frame splicing, resulting in expected premature truncation (PMID: 21394826, 21673748, 23278966, 31843900). To our knowledge, functional studies have not been reported for this variant. This variant has been observed in at least 3 individuals affected with breast cancer (PMID: 23278966, 25682074; Color internal data) and also reported to have segregation and family history likelihood ratios for pathogenicity of 532.1 and 363.1, respectively (PMID: 21394826). This variant has not been identified in the general population by the Genome Aggregation Database (gnomAD). Loss of BRCA1 function is a known mechanism of disease. Based on the available evidence, this variant is classified as Pathogenic.

Fulgent Genetics
Classification: Pathogenic for Familial cancer of breast; Breast-ovarian cancer, familial, susceptibility to, 1; Pancreatic cancer, susceptibility to, 4; Fanconi anemia, complementation group S. Last evaluated: 2018-10-31. Review status: criteria provided, single submitter. Criteria: ACMG Guidelines, 2015. Collection method: clinical testing. Allele origin: unknown. Not counted in ClinVar's aggregate classification.

Women's Health and Genetics/Laboratory Corporation of America, LabCorp
Classification: Pathogenic for Hereditary breast ovarian cancer syndrome. Last evaluated: 2017-06-07. Review status: criteria provided, single submitter. Criteria: LabCorp Variant Classification Summary - May 2015. Collection method: clinical testing. Allele origin: germline. Not counted in ClinVar's aggregate classification.
Comment: Variant summary: The BRCA1 c.5194-12G>A variant involves the alteration of a non-conserved intronic nucleotide. One in silico tool predicts a polymorphism outcome for this variant. 2/5 splice prediction tools predict that this variant creates a novel 3' splicing acceptor site. This prediction was confirmed by two independent studies by sequencing cDNA from the patients carrying the variant of interest (Whiley_2011, Wong-Brown_2013). The studies showed that the altered splicing led to the inclusion of 10bp intronic sequence generating a downstream frameshift mutation (p.His1732Phefs). This variant has been reported in multiple patients with breast cancer and family history of HBOC. This variant is absent in 121410 control chromosomes. In addition, multiple clinical diagnostic laboratories/reputable databases classified this variant as pathogenic, including an expert panel. Taken together, this variant is classified as pathogenic.

Consortium of Investigators of Modifiers of BRCA1/2 (CIMBA), c/o University of Cambridge
Classification: Pathogenic for Breast-ovarian cancer, familial, susceptibility to, 1. Last evaluated: 2015-10-02. Review status: criteria provided, single submitter. Criteria: CIMBA Mutation Classification guidelines May 2016. Collection method: clinical testing. Allele origin: germline. Not counted in ClinVar's aggregate classification.

NM_007294.4(BRCA1):c.5194-12G>A

Gene: BRCA1 (BRCA1 DNA repair associated; minus strand). Cytogenetic location: 17q21.31.
Variant type: single nucleotide variant.
Coding change: c.5194-12G>A on transcript NM_007294.4 (MANE Select); 12 bases into the intron before coding-DNA position 5194, G replaced by A.
Molecular consequence: intron variant.
Genome position (GRCh38, 1-based): chr17:43,057,147, C>T on the plus strand (G>A on the coding strand, the complement: BRCA1 is on the minus strand). VCF-style: chr17-43057147-C-T. GRCh37 (hg19) VCF-style: chr17-41209164-C-T.
Other names: IVS19-12G>A; c.5068-12G>A (NM_001407674.1, NM_001407939.1, NM_001407677.1 and 10 more transcripts); c.5071-12G>A (NM_001407919.1, NM_001407937.1, NM_001407669.1 and 6 more transcripts); c.1882-12G>A (NM_001407979.1, NM_001407982.1, NM_001407980.1 and 12 more transcripts); c.1885-12G>A (NM_001407977.1, NM_001407976.1, NM_001407974.1 and 3 more transcripts); c.5188-12G>A (NM_001407642.1, NM_001407634.1, NM_001407632.1 and 14 more transcripts); c.5191-12G>A (NM_001407625.1, NM_001407619.1, NM_001407610.1 and 17 more transcripts); c.5194-12G>A (NM_001407684.1, NM_001407594.1, NM_001407593.1 and 7 more transcripts); and 73 more.
Identifiers: ClinVar variation 55451 (VCV000055451.28), dbSNP rs80358079, ClinGen allele CA003343.